The following is an entry in ClinVar:

NM_004793.4(LONP1):c.2154+3G>A

Gene: LONP1 (lon peptidase 1, mitochondrial; minus strand). Cytogenetic location: 19p13.3.
Variant type: single nucleotide variant.
Coding change: c.2154+3G>A on transcript NM_004793.4 (MANE Select); 3 bases into the intron after coding-DNA position 2154, G replaced by A.
Molecular consequence: intron variant.
Genome position (GRCh38, 1-based): chr19:5,694,758, C>T on the plus strand (G>A on the coding strand, the complement: LONP1 is on the minus strand). VCF-style: chr19-5694758-C-T. GRCh37 (hg19) VCF-style: chr19-5694769-C-T.
Other names: c.2154+3G>A (NM_004793.3); c.1566+3G>A (NM_001276480.1); c.1962+3G>A (NM_001276479.2).
Identifiers: ClinVar variation 2985718 (VCV002985718.6), dbSNP rs774895212, ClinGen allele CA9114283.

ClinVar aggregate classification (germline): Conflicting classifications of pathogenicity. Review status: criteria provided, conflicting classifications (1 of 4 stars). 3 submissions from 3 submitters: Uncertain significance (1); Likely benign (1). 1 of the submissions does not count toward it. Last evaluated 2024-04-11.

Conditions:
LONP1-related disorder. Also called: LONP1-related disorders; LONP1-related condition.

Allele frequency attached by ClinVar (database versions not stated): ExAC 0.00001; gnomAD 0.00001; TOPMed 0.00001; gnomAD exomes 0.00004.
gnomAD v4.1: 21 of 1,587,340 alleles (0.0013%); highest among the groups gnomAD compares: East Asian, 0.0023%; 1 homozygote.

Submissions (3):

Blueprint Genetics
Classification: Likely benign. Last evaluated: 2024-04-11. Review status: criteria provided, single submitter. Criteria: ACMG Guidelines, 2015. Collection method: clinical testing. Allele origin: germline.

Labcorp Genetics (formerly Invitae), Labcorp
Classification: Uncertain significance. Last evaluated: 2023-08-04. Review status: criteria provided, single submitter. Criteria: Invitae Variant Classification Sherloc (09022015). Collection method: clinical testing. Allele origin: germline.
Comment: This variant has not been reported in the literature in individuals affected with LONP1-related conditions. Variants that disrupt the consensus splice site are a relatively common cause of aberrant splicing (PMID: 17576681, 9536098). Algorithms developed to predict the effect of sequence changes on RNA splicing suggest that this variant is not likely to affect RNA splicing. This variant is present in population databases (rs774895212, gnomAD 0.006%). This sequence change falls in intron 14 of the LONP1 gene. It does not directly change the encoded amino acid sequence of the LONP1 protein. It affects a nucleotide within the consensus splice site. In summary, the available evidence is currently insufficient to determine the role of this variant in disease. Therefore, it has been classified as a Variant of Uncertain Significance.

PreventionGenetics, part of Exact Sciences
Classification: Likely benign for LONP1-related condition. Last evaluated: 2022-09-19. Review status: no assertion criteria provided. Collection method: clinical testing. Allele origin: germline. Not counted in ClinVar's aggregate classification.
Comment: This variant is classified as likely benign based on ACMG/AMP sequence variant interpretation guidelines (Richards et al. 2015 PMID: 25741868, with internal and published modifications).

Literature cited by the submitters: PubMed 17576681 (cited by Labcorp Genetics (formerly Invitae), Labcorp); PubMed 9536098 (cited by Labcorp Genetics (formerly Invitae), Labcorp).